The following is an entry in ClinVar:

NM_032776.3(JMJD1C):c.2628T>C (p.Leu876=)

Gene: JMJD1C (jumonji domain containing 1C; minus strand). Cytogenetic location: 10q21.3.
Variant type: single nucleotide variant.
Coding change: c.2628T>C on transcript NM_032776.3 (MANE Select); coding-DNA position 2628, T replaced by C.
Protein change: p.Leu876=; no amino-acid change (leucine 876 retained).
Molecular consequence: synonymous variant. On other transcripts: non-coding transcript variant (1).
Genome position (GRCh38, 1-based): chr10:63,213,539, A>G on the plus strand (T>C on the coding strand, the complement: JMJD1C is on the minus strand). VCF-style: chr10-63213539-A-G. GRCh37 (hg19) VCF-style: chr10-64973299-A-G.
Other names: c.2082T>C, p.Leu694= (NM_001282948.2, NM_001318154.2); c.1764T>C, p.Leu588= (NM_001318153.2); c.2514T>C, p.Leu838= (NM_001322252.2); c.1971T>C, p.Leu657= (NM_001322254.2, NM_001322258.2).
Identifiers: ClinVar variation 460232 (VCV000460232.21), dbSNP rs139078977, ClinGen allele CA5518602.

ClinVar aggregate classification (germline): Benign/Likely benign. Review status: criteria provided, multiple submitters, no conflicts (2 of 4 stars). 3 submissions from 3 submitters: Benign (2); Likely benign (1). Last evaluated 2026-01-31.

Conditions:
Early Myoclonic Encephalopathy. Identifiers: MedGen C0270855.

Allele frequency attached by ClinVar (database versions not stated): ExAC 0.00087; ESP Exome Variant Server 0.00289; 1000 Genomes Project 0.00300; gnomAD 0.00325 and 0.00356; 1000 Genomes Project 30x 0.00328; TOPMed 0.00348; gnomAD exomes 0.00030 and 0.00075.
gnomAD v4.1: 938 of 1,611,036 alleles (0.058%); highest among the groups gnomAD compares: African/African-American, 1.2%; 6 homozygotes.

Submissions (3):

Labcorp Genetics (formerly Invitae), Labcorp
Classification: Benign for Early Myoclonic Encephalopathy. Last evaluated: 2026-01-31. Review status: criteria provided, single submitter. Criteria: Invitae Variant Classification Sherloc (09022015). Collection method: clinical testing. Allele origin: germline.

CeGaT Center for Human Genetics Tuebingen
Classification: Likely benign. Last evaluated: 2025-08-01. Review status: criteria provided, single submitter. Criteria: CeGaT Center For Human Genetics Tuebingen Variant Classification Criteria Version 2. Collection method: clinical testing. Allele origin: germline. Affected: yes. Observed: 1 variant allele.
Comment: JMJD1C: BP4, BP7, BS1

Breakthrough Genomics
Classification: Benign. Review status: criteria provided, single submitter. Criteria: ACMG Guidelines, 2015. Collection method: not provided. Allele origin: germline. Inheritance: Unknown mechanism. Affected: yes.